The following is an entry in ClinVar:

NM_000187.4(HGD):c.469+2T>C

Gene: HGD (homogentisate 1,2-dioxygenase; minus strand). Cytogenetic location: 3q13.33.
Variant type: single nucleotide variant.
Coding change: c.469+2T>C on transcript NM_000187.4 (MANE Select); the canonical splice donor site of the intron after coding-DNA position 469, T replaced by C.
Molecular consequence: splice donor variant.
Genome position (GRCh38, 1-based): chr3:120,647,875, A>G on the plus strand (T>C on the coding strand, the complement: HGD is on the minus strand). VCF-style: chr3-120647875-A-G. GRCh37 (hg19) VCF-style: chr3-120366722-A-G.
Identifiers: ClinVar variation 959543 (VCV000959543.12), dbSNP rs745333667, ClinGen allele CA2560198.

ClinVar aggregate classification (germline): Pathogenic/Likely pathogenic. Review status: criteria provided, multiple submitters, no conflicts (2 of 4 stars). 3 submissions from 3 submitters: Pathogenic (1); Likely pathogenic (1). 1 of the submissions does not count toward it. Last evaluated 2024-06-05.

Conditions:
Alkaptonuria (AKU). Also called: Homogentisic acidura; HOMOGENTISIC ACID OXIDASE DEFICIENCY; Alkaptonuric ochronosis; Alcaptonuria. Identifiers: Orphanet 56, MedGen C0002066, MONDO:0008753, OMIM 203500.

Allele frequency attached by ClinVar (database versions not stated): TOPMed below 0.00001; gnomAD 0.00001; ExAC 0.00002; gnomAD exomes 0.00002.
gnomAD v4.1: 35 of 1,610,816 alleles (0.0022%); highest among the groups gnomAD compares: Non-Finnish European, 0.0029%; no homozygotes.

Submissions (3):

Fulgent Genetics
Classification: Likely pathogenic for Alkaptonuria. Last evaluated: 2024-06-05. Review status: criteria provided, single submitter. Criteria: ACMG Guidelines, 2015. Collection method: clinical testing. Allele origin: germline.

Labcorp Genetics (formerly Invitae), Labcorp
Classification: Pathogenic for Alkaptonuria. Last evaluated: 2022-11-15. Review status: criteria provided, single submitter. Criteria: Invitae Variant Classification Sherloc (09022015). Collection method: clinical testing. Allele origin: germline.
Comment: Disruption of this splice site has been observed in individual(s) with alkaptonuria (PMID: 12501223, 23353776, 25681086). This variant is present in population databases (rs745333667, gnomAD 0.003%). This sequence change affects a donor splice site in intron 7 of the HGD gene. It is expected to disrupt RNA splicing. Variants that disrupt the donor or acceptor splice site typically lead to a loss of protein function (PMID: 16199547), and loss-of-function variants in HGD are known to be pathogenic (PMID: 12501223, 19862842). ClinVar contains an entry for this variant (Variation ID: 959543). For these reasons, this variant has been classified as Pathogenic. Algorithms developed to predict the effect of sequence changes on RNA splicing suggest that this variant may disrupt the consensus splice site.

Department Of Human Genetics, Institute Of Clinical And Translational Research, Biomedical Research Center, Slovak Academy Of Sciences
Classification: Pathogenic for Alkaptonuria. Review status: no assertion criteria provided. Collection method: research. Allele origin: germline. Inheritance: Autosomal recessive inheritance. Affected: yes. Observed: 6 variant alleles. Not counted in ClinVar's aggregate classification.
Comment: The variant was originally described in AKU patient in PMID:12501223. It has been submitted to the HGD gene mutation database (DB-ID: AKU_00044).

Literature cited by the submitters: PubMed 12501223 (cited by Labcorp Genetics (formerly Invitae), Labcorp and Department Of Human Genetics, Institute Of Clinical And Translational Research, Biomedical Research Center, Slovak Academy Of Sciences); PubMed 23353776 (cited by Labcorp Genetics (formerly Invitae), Labcorp); PubMed 25681086 (cited by Labcorp Genetics (formerly Invitae), Labcorp); PubMed 16199547 (cited by Labcorp Genetics (formerly Invitae), Labcorp); PubMed 19862842 (cited by Labcorp Genetics (formerly Invitae), Labcorp).